The following is an entry in ClinVar:

NM_007194.4(CHEK2):c.486T>A (p.Asp162Glu)

Gene: CHEK2 (checkpoint kinase 2; minus strand). Cytogenetic location: 22q12.1.
Variant type: single nucleotide variant.
Coding change: c.486T>A on transcript NM_007194.4 (MANE Select); coding-DNA position 486, T replaced by A.
Protein change: p.Asp162Glu; replaces aspartic acid 162 with glutamic acid.
Molecular consequence: missense variant. On other transcripts: 5 prime UTR variant (2), intron variant (1).
Genome position (GRCh38, 1-based): chr22:28,725,083, A>T on the plus strand (T>A on the coding strand, the complement: CHEK2 is on the minus strand). VCF-style: chr22-28725083-A-T. GRCh37 (hg19) VCF-style: chr22-29121071-A-T.
Other names: c.615T>A, p.Asp205Glu (NM_001005735.3, NM_001438294.1); c.-292T>A (NM_001257387.3); c.-178T>A (NM_001437942.1); c.579T>A, p.Asp193Glu (NM_001438293.1, NM_001438295.1); c.486T>A, p.Asp162Glu (NM_145862.3); c.444+160T>A (NM_001349956.3); short protein forms D162E, D205E, D193E.
Identifiers: ClinVar variation 567256 (VCV000567256.9), dbSNP rs1569157761, ClinGen allele CA411107563.

ClinVar aggregate classification (germline): Uncertain significance (1 of 4 stars; one submission).

Conditions:
Familial cancer of breast. Also called: BREAST CANCER, FAMILIAL; Hereditary breast cancer; hereditary breast carcinoma. Identifiers: Orphanet 227535, MedGen C0346153, MONDO:0016419, OMIM 114480. Disease mechanism: loss of function.

Submission:

Labcorp Genetics (formerly Invitae), Labcorp
Classification: Uncertain significance for Familial cancer of breast. Last evaluated: 2022-07-12. Review status: criteria provided, single submitter. Criteria: Invitae Variant Classification Sherloc (09022015). Collection method: clinical testing. Allele origin: germline.
Comment: In summary, the available evidence is currently insufficient to determine the role of this variant in disease. Therefore, it has been classified as a Variant of Uncertain Significance. Algorithms developed to predict the effect of missense changes on protein structure and function (SIFT, PolyPhen-2, Align-GVGD) all suggest that this variant is likely to be disruptive. ClinVar contains an entry for this variant (Variation ID: 567256). This variant has not been reported in the literature in individuals affected with CHEK2-related conditions. This variant is not present in population databases (gnomAD no frequency). This sequence change replaces aspartic acid, which is acidic and polar, with glutamic acid, which is acidic and polar, at codon 162 of the CHEK2 protein (p.Asp162Glu).